The following is an entry in ClinVar:

ClinVar aggregate classification (germline): Uncertain significance (1 of 4 stars; one submission).

Submission:

Labcorp Genetics (formerly Invitae), Labcorp
Classification: Uncertain significance. Last evaluated: 2023-05-11. Review status: criteria provided, single submitter. Criteria: Invitae Variant Classification Sherloc (09022015). Collection method: clinical testing. Allele origin: germline.
Comment: In summary, the available evidence is currently insufficient to determine the role of this variant in disease. Therefore, it has been classified as a Variant of Uncertain Significance. An algorithm developed to predict the effect of missense changes on protein structure and function (PolyPhen-2) suggests that this variant is likely to be disruptive. This variant has not been reported in the literature in individuals affected with SPARC-related conditions. This variant is not present in population databases (gnomAD no frequency). This sequence change replaces aspartic acid, which is acidic and polar, with valine, which is neutral and non-polar, at codon 300 of the SPARC protein (p.Asp300Val).

NM_003118.4(SPARC):c.899A>T (p.Asp300Val)

Genes: SPARC (secreted protein acidic and cysteine rich; minus strand), LOC126807556 (MED14-independent group 3 enhancer GRCh37_chr5:151042798-151043997; plus strand). Cytogenetic location: 5q33.1.
Variant type: single nucleotide variant.
Coding change: c.899A>T on transcript NM_003118.4 (MANE Select); coding-DNA position 899, A replaced by T.
Protein change: p.Asp300Val; replaces aspartic acid 300 with valine.
Molecular consequence: missense variant. On other transcripts: synonymous variant (1).
Genome position (GRCh38, 1-based): chr5:151,663,584, T>A on the plus strand (A>T on the coding strand, the complement: SPARC is on the minus strand). VCF-style: chr5-151663584-T-A. GRCh37 (hg19) VCF-style: chr5-151043145-T-A.
Other names: c.896A>T, p.Asp299Val (NM_001309443.2); c.897A>T, p.Gly299= (NM_001309444.2); short protein forms D299V, D300V.
Identifiers: ClinVar variation 2779900 (VCV002779900.2), dbSNP rs1269409509, ClinGen allele CA361829415.
Genomic context (GRCh38, chr5:151,663,584, plus strand): 5'-GAAGGGGAGGGTTAAAGAGAGAATCCGGTACTGTGGAAGGAGTGGATTTAGATCACAAGA[T>A]CCTTGTCGATATCCTCTGCAAAGCAAGAAAAGAGCACGGTTAAAAATAAGGCTGTGTCGA-3'
Protein context (NP_003109.1, residues 290-303): FGIKQKDIDK[Asp300Val]LVI